The following is an entry in ClinVar:

NM_000038.6(APC):c.341C>G (p.Pro114Arg)

Gene: APC (APC regulator of Wnt signaling pathway; plus strand). Cytogenetic location: 5q22.2.
Variant type: single nucleotide variant.
Coding change: c.341C>G on transcript NM_000038.6 (MANE Select); coding-DNA position 341, C replaced by G.
Protein change: p.Pro114Arg; replaces proline 114 with arginine.
Molecular consequence: missense variant. On other transcripts: 5 prime UTR variant (1).
Genome position (GRCh38, 1-based): chr5:112,767,309, C>G. VCF-style: chr5-112767309-C-G. GRCh37 (hg19) VCF-style: chr5-112103006-C-G.
Other names: c.341C>G, p.Pro114Arg (NM_001354903.2, NM_001127510.3, NM_001354895.2 and 2 more transcripts); c.266C>G, p.Pro89Arg (NM_001354904.2, NM_001354898.2); c.164C>G, p.Pro55Arg (NM_001354905.2, NM_001354900.2, NM_001354901.2); c.-695C>G (NM_001354906.2); c.371C>G, p.Pro124Arg (NM_001127511.3, NM_001354897.2, NM_001354902.2); short protein forms P114R, P124R, P55R, P89R.
Identifiers: ClinVar variation 851715 (VCV000851715.16), dbSNP rs200117298, ClinGen allele CA16022066.
Genomic context (GRCh38, chr5:112,767,309, plus strand): 5'-GTTCTTATGGAAGCCGGGAAGGATCTGTATCAAGCCGTTCTGGAGAGTGCAGTCCTGTTC[C>G]TATGGGTTCATTTCCAAGAAGAGGGTTTGTAAATGGAAGCAGAGAAAGTACTGGATATTT-3'
Protein context (NP_000029.2, residues 104-124): SSRSGECSPV[Pro114Arg]MGSFPRRGFV

ClinVar aggregate classification (germline): Uncertain significance. Review status: criteria provided, multiple submitters, no conflicts (2 of 4 stars). 5 submissions from 5 submitters: Uncertain significance (5). Last evaluated 2024-09-25.

Conditions:
Classic or attenuated familial adenomatous polyposis. Identifiers: MedGen CN372698, MONDO:0021057.
Familial adenomatous polyposis 1 (FAP1). Also called: FAMILIAL ADENOMATOUS POLYPOSIS 1, ATTENUATED; POLYPOSIS, ADENOMATOUS INTESTINAL. Identifiers: MedGen C2713442, MONDO:0021056, OMIM 175100. Disease mechanism: loss of function.
Hereditary cancer-predisposing syndrome. Also called: Hereditary Cancer Syndrome; Neoplastic Syndromes, Hereditary; Hereditary neoplastic syndrome; Tumor predisposition. Identifiers: Orphanet 140162, MedGen C0027672, MeSH D009386, MONDO:0015356.

Allele frequency attached by ClinVar (database versions not stated): gnomAD exomes below 0.00001.
gnomAD v4.1: 1 of 1,614,106 alleles (0.000062%); highest among the groups gnomAD compares: Non-Finnish European, 0.000085%; no homozygotes.

Submissions (5):

Blueprint Genetics
Classification: Uncertain significance. Last evaluated: 2024-09-25. Review status: criteria provided, single submitter. Criteria: ACMG Guidelines, 2015. Collection method: clinical testing. Allele origin: germline.

All of Us Research Program, National Institutes of Health
Classification: Uncertain significance for Classic or attenuated familial adenomatous polyposis. Last evaluated: 2024-09-17. Review status: criteria provided, single submitter. Criteria: ACMG Guidelines, 2015. Collection method: clinical testing. Allele origin: germline. Inheritance: Autosomal dominant inheritance. Observed: 1 variant allele, 1 heterozygote.
Comment: This study involves interpretation of variants in research participants for the purpose of population health screening. Participant phenotype was not available at the time of variant classification. Additional details can be found in publication PMID: 35346344, PMCID: PMC8962531

Ambry Genetics
Classification: Uncertain significance for Hereditary cancer-predisposing syndrome. Last evaluated: 2024-02-28. Review status: criteria provided, single submitter. Criteria: Ambry Variant Classification Scheme 2023. Collection method: clinical testing. Allele origin: germline.
Comment: The p.P114R variant (also known as c.341C>G), located in coding exon 3 of the APC gene, results from a C to G substitution at nucleotide position 341. The proline at codon 114 is replaced by arginine, an amino acid with dissimilar properties. This amino acid position is highly conserved in available vertebrate species. In addition, in silico predictors for this gene do not accurately predict pathogenicity. Based on the available evidence, the clinical significance of this alteration remains unclear.

Labcorp Genetics (formerly Invitae), Labcorp
Classification: Uncertain significance for Familial adenomatous polyposis 1. Last evaluated: 2023-12-12. Review status: criteria provided, single submitter. Criteria: Invitae Variant Classification Sherloc (09022015). Collection method: clinical testing. Allele origin: germline.
Comment: This sequence change replaces proline, which is neutral and non-polar, with arginine, which is basic and polar, at codon 114 of the APC protein (p.Pro114Arg). This variant is not present in population databases (gnomAD no frequency). This variant has not been reported in the literature in individuals affected with APC-related conditions. ClinVar contains an entry for this variant (Variation ID: 851715). Advanced modeling of protein sequence and biophysical properties (such as structural, functional, and spatial information, amino acid conservation, physicochemical variation, residue mobility, and thermodynamic stability) performed at Invitae indicates that this missense variant is not expected to disrupt APC protein function with a negative predictive value of 95%. In summary, the available evidence is currently insufficient to determine the role of this variant in disease. Therefore, it has been classified as a Variant of Uncertain Significance.

GeneDx
Classification: Uncertain significance. Last evaluated: 2021-06-10. Review status: criteria provided, single submitter. Criteria: GeneDx Variant Classification Process June 2021. Collection method: clinical testing. Allele origin: germline. Affected: yes.
Comment: Not observed at significant frequency in large population cohorts (Lek 2016); In silico analysis supports that this missense variant does not alter protein structure/function; Has not been previously published as pathogenic or benign to our knowledge